The following is an entry in ClinVar:

NM_000057.4(BLM):c.4076+347A>G

Gene: BLM (BLM RecQ like helicase; plus strand). Cytogenetic location: 15q26.1.
Variant type: single nucleotide variant.
Coding change: c.4076+347A>G on transcript NM_000057.4 (MANE Select); 347 bases into the intron after coding-DNA position 4076, A replaced by G.
Molecular consequence: intron variant.
Genome position (GRCh38, 1-based): chr15:90,811,753, A>G. VCF-style: chr15-90811753-A-G. GRCh37 (hg19) VCF-style: chr15-91354983-A-G.
Other names: c.4076+347A>G (NM_001287246.2); c.2951+347A>G (NM_001287248.2); c.3683+347A>G (NM_001287247.2).
Identifiers: ClinVar variation 3905677 (VCV003905677.10).

ClinVar aggregate classification (germline): Likely benign (1 of 4 stars; one submission).

Submission:

CeGaT Center for Human Genetics Tuebingen
Classification: Likely benign. Last evaluated: 2025-05-01. Review status: criteria provided, single submitter. Criteria: CeGaT Center For Human Genetics Tuebingen Variant Classification Criteria Version 2. Collection method: clinical testing. Allele origin: germline. Affected: yes. Observed: 1 variant allele.
Comment: BLM: PM2:Supporting, BP4, BP7